The following is an entry in ClinVar:

NM_000350.3(ABCA4):c.1343T>A (p.Met448Lys)

Gene: ABCA4 (ATP binding cassette subfamily A member 4; minus strand). Cytogenetic location: 1p22.1.
Variant type: single nucleotide variant.
Coding change: c.1343T>A on transcript NM_000350.3 (MANE Select); coding-DNA position 1343, T replaced by A.
Protein change: p.Met448Lys; replaces methionine 448 with lysine.
Molecular consequence: missense variant.
Genome position (GRCh38, 1-based): chr1:94,078,603, A>T on the plus strand (T>A on the coding strand, the complement: ABCA4 is on the minus strand). VCF-style: chr1-94078603-A-T. GRCh37 (hg19) VCF-style: chr1-94544159-A-T.
Other names: c.1343T>A (NM_000350.2); c.1343T>A, p.Met448Lys (NM_001425324.1); short protein forms M448K.
Identifiers: ClinVar variation 288325 (VCV000288325.20), dbSNP rs777078540, ClinGen allele CA958570.

ClinVar aggregate classification (germline): Conflicting classifications of pathogenicity. Review status: criteria provided, conflicting classifications (1 of 4 stars). 7 submissions from 7 submitters: Pathogenic (4); Likely pathogenic (2); Uncertain significance (1). Last evaluated 2025-08-07.

Conditions:
Stargardt disease (FFM). Also called: Stargardt's disease; Fundus flavimaculatus. Identifiers: Orphanet 827, MedGen C0271093, MONDO:0019353.
Retinal dystrophy. Also called: Inherited retinal dystrophy. Identifiers: Orphanet 71862, MedGen C0854723, MeSH D058499, MONDO:0019118, HP:0000556.
Cone-rod dystrophy 3 (CORD3). Identifiers: Orphanet 1872, MedGen C1858806, MONDO:0011395, OMIM 604116.
Severe early-childhood-onset retinal dystrophy (STGD1). Also called: Stargardt macular dystrophy; Juvenile onset macular degeneration; Stargardt disease 1; MACULAR DYSTROPHY WITH FLECKS, TYPE 1; STGD. Identifiers: Orphanet 364055, Orphanet 827, MedGen C1855465, MeSH D000080362, MONDO:0009549, OMIM 248200.
Retinitis pigmentosa 19 (RP19). Also called: ABCA4-Related Retinitis Pigmentosa. Identifiers: Orphanet 791, MedGen C1866422, MONDO:0011137, OMIM 601718.
Age related macular degeneration 2. Also called: MACULOPATHY, AGE-RELATED; MACULAR DEGENERATION, SENILE; MACULOPATHY, AGE-RELATED, 2. Identifiers: MedGen C3495438, MONDO:0007932, OMIM 153800.
ABCA4-related disorder. Also called: ABCA4-related disorders; ABCA4-related condition. Identifiers: MedGen CN239167.

Allele frequency attached by ClinVar (database versions not stated): gnomAD below 0.00001 and 0.00001; gnomAD exomes 0.00002; ExAC 0.00002.
gnomAD v4.1: 23 of 1,338,414 alleles (0.0017%); highest among the groups gnomAD compares: South Asian, 0.016%; no homozygotes.

Submissions (7):

Labcorp Genetics (formerly Invitae), Labcorp
Classification: Pathogenic. Last evaluated: 2025-08-07. Review status: criteria provided, single submitter. Criteria: Invitae Variant Classification Sherloc (09022015). Collection method: clinical testing. Allele origin: germline.
Comment: This sequence change replaces methionine, which is neutral and non-polar, with lysine, which is basic and polar, at codon 448 of the ABCA4 protein (p.Met448Lys). This variant is present in population databases (rs777078540, gnomAD 0.02%). This missense change has been observed in individuals with Stargardt disease (PMID: 26593885, 29847635). ClinVar contains an entry for this variant (Variation ID: 288325). Invitae Evidence Modeling of protein sequence and biophysical properties (such as structural, functional, and spatial information, amino acid conservation, physicochemical variation, residue mobility, and thermodynamic stability) indicates that this missense variant is expected to disrupt ABCA4 protein function with a positive predictive value of 95%. Experimental studies have shown that this missense change affects ABCA4 function (PMID: 29847635). This variant disrupts the p.Met448 amino acid residue in ABCA4. Other variant(s) that disrupt this residue have been determined to be pathogenic (PMID: 26593885, 29847635). This suggests that this residue is clinically significant, and that variants that disrupt this residue are likely to be disease-causing. For these reasons, this variant has been classified as Pathogenic.

GeneDx
Classification: Pathogenic. Last evaluated: 2025-06-23. Review status: criteria provided, single submitter. Criteria: GeneDx Variant Classification Process June 2021. Collection method: clinical testing. Allele origin: germline.
Comment: Published functional studies demonstrate a significant effect on substrate binding and ATPase activity in vitro (PMID: 29847635); In silico analysis supports that this missense variant has a deleterious effect on protein structure/function; This variant is associated with the following publications: (PMID: 35120629, 29847635, 26593885)

Blueprint Genetics
Classification: Pathogenic for ABCA4-related disorders. Last evaluated: 2024-08-07. Review status: criteria provided, single submitter. Criteria: ACMG Guidelines, 2015. Collection method: clinical testing. Allele origin: germline. Affected: yes. Observed: 5 variant alleles.

Fulgent Genetics
Classification: Likely pathogenic for Age related macular degeneration 2; Severe early-childhood-onset retinal dystrophy; Retinitis pigmentosa 19; Cone-rod dystrophy 3. Last evaluated: 2024-04-10. Review status: criteria provided, single submitter. Criteria: ACMG Guidelines, 2015. Collection method: clinical testing. Allele origin: germline.

Women's Health and Genetics/Laboratory Corporation of America, LabCorp
Classification: Likely pathogenic for Stargardt disease. Last evaluated: 2024-04-05. Review status: criteria provided, single submitter. Criteria: LabCorp Variant Classification Summary - May 2015. Collection method: clinical testing. Allele origin: germline.
Comment: Variant summary: ABCA4 c.1343T>A (p.Met448Lys) results in a non-conservative amino acid change in the encoded protein sequence. Five of five in-silico tools predict a damaging effect of the variant on protein function. The variant allele was found at a frequency of 2e-05 in 251430 control chromosomes. c.1343T>A has been reported in the literature in individuals affected with Stargardt Disease. These data indicate that the variant may be associated with disease( Garces_2018, Sciezynska_2016). At least one publication reports experimental evidence evaluating an impact on protein function shows a severe impact on substrate binding and basal activity (Garces_2018). The following publications have been ascertained in the context of this evaluation (PMID: 26593885, 29847635). ClinVar contains an entry for this variant (Variation ID: 288325). Based on the evidence outlined above, the variant was classified as likely pathogenic.

Institute of Human Genetics, Univ. Regensburg, Univ. Regensburg
Classification: Pathogenic for Retinal dystrophy. Last evaluated: 2022-01-01. Review status: criteria provided, single submitter. Criteria: ACMG Guidelines, 2015. Collection method: clinical testing. Allele origin: germline. Affected: yes.

Eurofins Ntd Llc (ga)
Classification: Uncertain significance. Last evaluated: 2016-06-27. Review status: criteria provided, single submitter. Criteria: EGL Classification Definitions 2015. Collection method: clinical testing. Allele origin: germline. Observed: 1 variant allele, 1 heterozygote.

Literature cited by the submitters: PubMed 26593885 (cited by 3 submitters); PubMed 29847635 (cited by Labcorp Genetics (formerly Invitae), Labcorp and Women's Health and Genetics/Laboratory Corporation of America, LabCorp); PubMed 2984763 (cited by Institute of Human Genetics, Univ. Regensburg, Univ. Regensburg).